The following is an entry in ClinVar:

NM_024675.4(PALB2):c.2449A>G (p.Thr817Ala)

Gene: PALB2 (partner and localizer of BRCA2; minus strand). Cytogenetic location: 16p12.2.
Variant type: single nucleotide variant.
Coding change: c.2449A>G on transcript NM_024675.4 (MANE Select); coding-DNA position 2449, A replaced by G.
Protein change: p.Thr817Ala; replaces threonine 817 with alanine.
Molecular consequence: missense variant.
Genome position (GRCh38, 1-based): chr16:23,629,705, T>C on the plus strand (A>G on the coding strand, the complement: PALB2 is on the minus strand). VCF-style: chr16-23629705-T-C. GRCh37 (hg19) VCF-style: chr16-23641026-T-C.
Other names: c.2389A>G, p.Thr797Ala (NM_001407296.1); c.2449A>G, p.Thr817Ala (NM_001407297.1, NM_001407298.1, NM_001407299.1 and 3 more transcripts); c.1564A>G, p.Thr522Ala (NM_001407304.1, NM_001407305.1, NM_001407306.1 and 5 more transcripts); c.661A>G, p.Thr221Ala (NM_001407312.1, NM_001407313.1); short protein forms T817A, T221A, T522A, T797A.
Identifiers: ClinVar variation 1791437 (VCV001791437.6), dbSNP rs2142372771, ClinGen allele CA395124173.

ClinVar aggregate classification (germline): Uncertain significance. Review status: criteria provided, multiple submitters, no conflicts (2 of 4 stars). 3 submissions from 3 submitters: Uncertain significance (3). Last evaluated 2024-01-05.

Conditions:
Hereditary cancer-predisposing syndrome. Also called: Hereditary Cancer Syndrome; Hereditary neoplastic syndrome; Tumor predisposition; Neoplastic Syndromes, Hereditary. Identifiers: Orphanet 140162, MedGen C0027672, MeSH D009386, MONDO:0015356.
Familial cancer of breast. Also called: BREAST CANCER, FAMILIAL; Hereditary breast cancer; hereditary breast carcinoma. Identifiers: Orphanet 227535, MedGen C0346153, MONDO:0016419, OMIM 114480. Disease mechanism: loss of function.

Submissions (3):

Labcorp Genetics (formerly Invitae), Labcorp
Classification: Uncertain significance for Familial cancer of breast. Last evaluated: 2024-01-05. Review status: criteria provided, single submitter. Criteria: Invitae Variant Classification Sherloc (09022015). Collection method: clinical testing. Allele origin: germline.
Comment: This sequence change replaces threonine, which is neutral and polar, with alanine, which is neutral and non-polar, at codon 817 of the PALB2 protein (p.Thr817Ala). This variant is not present in population databases (gnomAD no frequency). This variant has not been reported in the literature in individuals affected with PALB2-related conditions. ClinVar contains an entry for this variant (Variation ID: 1791437). Advanced modeling of protein sequence and biophysical properties (such as structural, functional, and spatial information, amino acid conservation, physicochemical variation, residue mobility, and thermodynamic stability) performed at Invitae indicates that this missense variant is not expected to disrupt PALB2 protein function with a negative predictive value of 80%. In summary, the available evidence is currently insufficient to determine the role of this variant in disease. Therefore, it has been classified as a Variant of Uncertain Significance.

GeneDx
Classification: Uncertain significance. Last evaluated: 2022-11-15. Review status: criteria provided, single submitter. Criteria: GeneDx Variant Classification Process June 2021. Collection method: clinical testing. Allele origin: germline. Affected: yes.
Comment: Not observed at significant frequency in large population cohorts (gnomAD); In silico analysis supports that this missense variant does not alter protein structure/function; Has not been previously published as pathogenic or benign to our knowledge; This variant is associated with the following publications: (PMID: 24485656)

Ambry Genetics
Classification: Uncertain significance for Hereditary cancer-predisposing syndrome. Last evaluated: 2017-06-15. Review status: criteria provided, single submitter. Criteria: Ambry Variant Classification Scheme 2023. Collection method: clinical testing. Allele origin: germline.
Comment: The p.T817A variant (also known as c.2449A>G), located in coding exon 5 of the PALB2 gene, results from an A to G substitution at nucleotide position 2449. The threonine at codon 817 is replaced by alanine, an amino acid with similar properties. This amino acid position is poorly conserved in available vertebrate species. In addition, this alteration is predicted to be tolerated by in silico analysis. Since supporting evidence is limited at this time, the clinical significance of this alteration remains unclear.